The following is an entry in ClinVar:

ClinVar aggregate classification (germline): Uncertain significance. Review status: criteria provided, multiple submitters, no conflicts (2 of 4 stars). 2 submissions from 2 submitters: Uncertain significance (2). Last evaluated 2026-01-19.

Conditions:
Long QT syndrome (LQTS). Identifiers: MedGen C0023976, MeSH D008133, MONDO:0002442. Disease mechanism: loss of function. Inheritance: Various modes of inheritance.
Cardiovascular phenotype. Identifiers: MedGen CN230736.

gnomAD v4.1: 3 of 1,614,162 alleles (0.00019%); highest among the groups gnomAD compares: East Asian, 0.0022%; no homozygotes.

Submissions (2):

Labcorp Genetics (formerly Invitae), Labcorp
Classification: Uncertain significance for Long QT syndrome. Last evaluated: 2026-01-19. Review status: criteria provided, single submitter. Criteria: Invitae Variant Classification Sherloc (09022015). Collection method: clinical testing. Allele origin: germline.
Comment: This sequence change replaces leucine, which is neutral and non-polar, with tryptophan, which is neutral and slightly polar, at codon 3339 of the AKAP9 protein (p.Leu3339Trp). This variant is not present in population databases (gnomAD no frequency). This variant has not been reported in the literature in individuals affected with AKAP9-related conditions. ClinVar contains an entry for this variant (Variation ID: 4265344). An algorithm developed to predict the effect of missense changes on protein structure and function (PolyPhen-2) suggests that this variant is likely to be disruptive. In summary, the available evidence is currently insufficient to determine the role of this variant in disease. Therefore, it has been classified as a Variant of Uncertain Significance.

Ambry Genetics
Classification: Uncertain significance for Cardiovascular phenotype. Last evaluated: 2025-08-24. Review status: criteria provided, single submitter. Criteria: Ambry Variant Classification Scheme 2023. Collection method: clinical testing. Allele origin: germline.
Comment: The p.L3339W variant (also known as c.10016T>G), located in coding exon 41 of the AKAP9 gene, results from a T to G substitution at nucleotide position 10016. The leucine at codon 3339 is replaced by tryptophan, an amino acid with similar properties. This amino acid position is conserved. In addition, this alteration is predicted to be tolerated by in silico analysis. Based on the available evidence, the clinical significance of this variant remains unclear.

NM_005751.5(AKAP9):c.10016T>G (p.Leu3339Trp)

Gene: AKAP9 (A-kinase anchoring protein 9; plus strand). Cytogenetic location: 7q21.2.
Variant type: single nucleotide variant.
Coding change: c.10016T>G on transcript NM_005751.5 (MANE Select); coding-DNA position 10016, T replaced by G.
Protein change: p.Leu3339Trp; replaces leucine 3339 with tryptophan.
Molecular consequence: missense variant.
Genome position (GRCh38, 1-based): chr7:92,096,975, T>G. VCF-style: chr7-92096975-T-G. GRCh37 (hg19) VCF-style: chr7-91726289-T-G.
Other names: c.4661T>G, p.Leu1554Trp (NM_001379277.1); c.9992T>G, p.Leu3331Trp (NM_147185.3); short protein forms L3331W, L1554W, L3339W.
Identifiers: ClinVar variation 4265344 (VCV004265344.2).
Genomic context (GRCh38, chr7:92,096,975, plus strand): 5'-AGCGGGAATTGCACGCACAGCTGCAGAGCAGTGATGGTACTGGACAGTCTCGGCCACCCT[T>G]GCCCTCAGAGGACCTACTGAAAGAGCTGCAGAAACAGCTAGAGGAAAAACACAGTCGCAT-3'
Protein context (NP_005742.4, residues 3329-3349): SDGTGQSRPP[Leu3339Trp]PSEDLLKELQ